The following is an entry in ClinVar:

ClinVar aggregate classification (germline): Uncertain significance (1 of 4 stars; one submission).

Conditions:
Polycystic kidney disease, adult type (PKD1). Also called: Polycystic Kidney, Autosomal Dominant; POLYCYSTIC KIDNEY DISEASE 1 WITH OR WITHOUT POLYCYSTIC LIVER DISEASE; Polycystic Kidney Disease 1, Autosomal Dominant; Polycystic kidney disease 1; Polycystic kidney disease 1, severe; POLYCYSTIC KIDNEY DISEASE, ADULT, TYPE I. Identifiers: MedGen C3149841, MONDO:0008263, OMIM 173900.

Submission:

MVZ Medizinische Genetik Mainz
Classification: Uncertain significance for Polycystic kidney disease, adult type. Last evaluated: 2022-01-26. Review status: criteria provided, single submitter. Criteria: UK Practice Guidelines For Variant Classification V4 01 2020. Collection method: clinical testing. Allele origin: germline. Inheritance: Autosomal dominant inheritance. Observed: 1 variant allele.
Comment: ACMG Criteria: PM4, PM2_SUP, PP3, PP4 (ACMG Version 3)

NM_001009944.3(PKD1):c.6011_6016del (p.Tyr2004_Ala2005del)

Gene: PKD1 (polycystin 1, transient receptor potential channel interacting; minus strand). Cytogenetic location: 16p13.3.
Variant type: Deletion.
Coding change: c.6011_6016del on transcript NM_001009944.3 (MANE Select); coding-DNA positions 6011 to 6016, 6 bases deleted (ACGCCT; older notation c.6011_6016delACGCCT).
Protein change: p.Tyr2004_Ala2005del.
Genome position (GRCh38, 1-based): chr16:2,109,151-2,109,156, AGGCGT deleted on the plus strand (ACGCCT on the coding strand, the reverse complement: PKD1 is on the minus strand); deleting any 6 consecutive bases within chr16:2,109,151-2,109,161 gives the same sequence; the c. name uses the placement nearest the transcript's 3' end. VCF-style (leftmost placement, unchanged base first): chr16-2109150-CAGGCGT-C. GRCh37 (hg19) VCF-style: chr16-2159151-CAGGCGT-C.
Other names: c.6011_6016del, p.Tyr2004_Ala2005del (NM_000296.4).
Identifiers: ClinVar variation 3066174 (VCV003066174.1), dbSNP rs2092436949, ClinGen allele CA2740098076.